The following is an entry in ClinVar:

NM_001429.4(EP300):c.433C>G (p.Gln145Glu)

Gene: EP300 (E1A binding protein p300; plus strand). Cytogenetic location: 22q13.2.
Variant type: single nucleotide variant.
Coding change: c.433C>G on transcript NM_001429.4 (MANE Select); coding-DNA position 433, C replaced by G.
Protein change: p.Gln145Glu; replaces glutamine 145 with glutamic acid.
Molecular consequence: missense variant.
Genome position (GRCh38, 1-based): chr22:41,117,525, C>G. VCF-style: chr22-41117525-C-G. GRCh37 (hg19) VCF-style: chr22-41513529-C-G.
Other names: c.433C>G, p.Gln145Glu (NM_001362843.2); short protein forms Q145E.
Identifiers: ClinVar variation 1306300 (VCV001306300.2), dbSNP rs2145697001, ClinGen allele CA411680704.

ClinVar aggregate classification (germline): Uncertain significance (1 of 4 stars; one submission).

Submission:

GeneDx
Classification: Uncertain significance. Last evaluated: 2019-06-20. Review status: criteria provided, single submitter. Criteria: GeneDx Variant Classification Process June 2021. Collection method: clinical testing. Allele origin: germline. Affected: yes.
Comment: Not observed in large population cohorts (Lek et al., 2016); In silico analysis, which includes protein predictors and evolutionary conservation, supports that this variant does not alter protein structure/function; Has not been previously published as pathogenic or benign to our knowledge